The following is an entry in ClinVar:

NM_181426.2(CCDC39):c.706A>T (p.Lys236Ter)

Gene: CCDC39 (coiled-coil domain 39 molecular ruler complex subunit; minus strand). Cytogenetic location: 3q26.33.
Variant type: single nucleotide variant.
Coding change: c.706A>T on transcript NM_181426.2 (MANE Select); coding-DNA position 706, A replaced by T.
Protein change: p.Lys236Ter; replaces lysine 236 with a stop codon.
Molecular consequence: nonsense.
Genome position (GRCh38, 1-based): chr3:180,659,484, T>A on the plus strand (A>T on the coding strand, the complement: CCDC39 is on the minus strand). VCF-style: chr3-180659484-T-A. GRCh37 (hg19) VCF-style: chr3-180377272-T-A.
Other names: short protein forms K236*.
Identifiers: ClinVar variation 2722548 (VCV002722548.3), dbSNP rs1210959281, ClinGen allele CA355301980.
Genomic context (GRCh38, chr3:180,659,484, plus strand): 5'-CATTACAAGGACCAAACAACTACTTTACCAAAGCACAGTTATCTATGTCTCCATCCCTCT[T>A]CTGCATCTGTTCTATTGTGTTCTCCCATTGTTTAATGAGTTCTTGTCTTTCATTATGAAT-3'

ClinVar aggregate classification (germline): Pathogenic (1 of 4 stars; one submission).

Conditions:
Primary ciliary dyskinesia. Also called: Ciliary dyskinesia. Identifiers: Orphanet 244, MedGen C0008780, MONDO:0016575, HP:0012265.

Submission:

Labcorp Genetics (formerly Invitae), Labcorp
Classification: Pathogenic for Primary ciliary dyskinesia. Last evaluated: 2025-11-19. Review status: criteria provided, single submitter. Criteria: Invitae Variant Classification Sherloc (09022015). Collection method: clinical testing. Allele origin: germline.
Comment: This sequence change creates a premature translational stop signal (p.Lys236*) in the CCDC39 gene. It is expected to result in an absent or disrupted protein product. Loss-of-function variants in CCDC39 are known to be pathogenic (PMID: 21131972, 23255504). This variant is not present in population databases (gnomAD no frequency). This variant has not been reported in the literature in individuals affected with CCDC39-related conditions. ClinVar contains an entry for this variant (Variation ID: 2722548). Algorithms developed to predict the effect of sequence changes on RNA splicing suggest that this variant may disrupt the consensus splice site. For these reasons, this variant has been classified as Pathogenic.

Literature cited by the submitters: PubMed 21131972; PubMed 23255504.